The following is an entry in ClinVar:

NM_000238.4(KCNH2):c.2167T>G (p.Cys723Gly)

Gene: KCNH2 (potassium voltage-gated channel subfamily H member 2; minus strand). Cytogenetic location: 7q36.1.
Variant type: single nucleotide variant.
Coding change: c.2167T>G on transcript NM_000238.4 (MANE Select); coding-DNA position 2167, T replaced by G.
Protein change: p.Cys723Gly; replaces cysteine 723 with glycine.
Molecular consequence: missense variant.
Genome position (GRCh38, 1-based): chr7:150,950,399, A>C on the plus strand (T>G on the coding strand, the complement: KCNH2 is on the minus strand). VCF-style: chr7-150950399-A-C. GRCh37 (hg19) VCF-style: chr7-150647487-A-C.
Other names: c.1147T>G, p.Cys383Gly (NM_001204798.2, NM_172057.3); c.1879T>G, p.Cys627Gly (NM_001406753.1, NM_001406756.1); c.1990T>G, p.Cys664Gly (NM_001406755.1); c.1867T>G, p.Cys623Gly (NM_001406757.1); c.2167T>G, p.Cys723Gly (NM_172056.3); short protein forms C383G, C723G, C623G, C627G, C664G.
Identifiers: ClinVar variation 922895 (VCV000922895.6), dbSNP rs199472987, ClinGen allele CA369856690.

ClinVar aggregate classification (germline): Uncertain significance (1 of 4 stars; one submission).

Conditions:
Cardiac arrhythmia. Also called: Cardiac rhythm disease; Arrhythmia. Identifiers: MedGen C0003811, MONDO:0007263, HP:0011675.

Allele frequency attached by ClinVar (database versions not stated): gnomAD 0.00001; gnomAD exomes below 0.00001; TOPMed below 0.00001.
gnomAD v4.1: 4 of 1,611,794 alleles (0.00025%); highest among the groups gnomAD compares: Non-Finnish European, 0.00034%; no homozygotes.

Submission:

Color Diagnostics, LLC DBA Color Health
Classification: Uncertain significance for Cardiac arrhythmia. Last evaluated: 2020-03-04. Review status: criteria provided, single submitter. Criteria: ACMG Guidelines, 2015. Collection method: clinical testing. Allele origin: germline.
Comment: This missense variant replaces cysteine with glycine at codon 723 of the KCNH2 protein. Computational prediction suggests that this variant may have deleterious impact on protein structure and function (internally defined REVEL score threshold >= 0.7, PMID: 27666373). Splice site prediction tools suggest that this variant may not impact RNA splicing. To our knowledge, functional studies have not been reported for this variant. This variant has not been reported in individuals affected with cardiovascular disorders in the literature. This variant has been identified in 1/31294 chromosomes in the general population by the Genome Aggregation Database (gnomAD). The available evidence is insufficient to determine the role of this variant in disease conclusively. Therefore, this variant is classified as a Variant of Uncertain Significance.